The following is an entry in ClinVar:

ClinVar aggregate classification (germline): Uncertain significance (1 of 4 stars; one submission).

Allele frequency attached by ClinVar (database versions not stated): gnomAD exomes below 0.00001; TOPMed below 0.00001; 1000 Genomes Project 30x 0.00016.

Submission:

Greenwood Genetic Center Diagnostic Laboratories, Greenwood Genetic Center
Classification: Uncertain significance. Last evaluated: 2023-10-09. Review status: criteria provided, single submitter. Criteria: ACMG Guidelines, 2015. Collection method: clinical testing. Allele origin: germline. Affected: yes.
Comment: PM2

NM_006015.6(ARID1A):c.911C>T (p.Ser304Leu)

Genes: ARID1A (AT-rich interaction domain 1A; plus strand), LOC129929837 (ATAC-STARR-seq lymphoblastoid silent region 489; plus strand). Cytogenetic location: 1p36.11.
Variant type: single nucleotide variant.
Coding change: c.911C>T on transcript NM_006015.6 (MANE Select); coding-DNA position 911, C replaced by T.
Protein change: p.Ser304Leu; replaces serine 304 with leucine.
Molecular consequence: missense variant.
Genome position (GRCh38, 1-based): chr1:26,697,314, C>T. VCF-style: chr1-26697314-C-T. GRCh37 (hg19) VCF-style: chr1-27023805-C-T.
Other names: c.911C>T, p.Ser304Leu (NM_139135.4); short protein forms S304L.
Identifiers: ClinVar variation 2692502 (VCV002692502.1), dbSNP rs2080278615, ClinGen allele CA339266786.